The following is an entry in ClinVar:

NM_001458.5(FLNC):c.4219_4220delinsA (p.Val1407fs)

Gene: FLNC (filamin C; plus strand). Cytogenetic location: 7q32.1.
Variant type: Indel.
Coding change: c.4219_4220delinsA on transcript NM_001458.5 (MANE Select); coding-DNA positions 4219 to 4220, GT replaced by A.
Protein change: p.Val1407fs; shifts the reading frame from valine 1407.
Molecular consequence: frameshift variant.
Genome position (GRCh38, 1-based): chr7:128,846,836-128,846,837, GT replaced by A. VCF-style: chr7-128846836-GT-A. GRCh37 (hg19) VCF-style: chr7-128486890-GT-A.
Other names: c.4219_4220delinsA, p.Val1407fs (NM_001127487.2); short protein forms V1407fs.
Identifiers: ClinVar variation 1738795 (VCV001738795.2), dbSNP rs2536643678, ClinGen allele CA2580076648.
Genomic context (GRCh38, chr7:128,846,836, plus strand): 5'-ATCGAGGGTCCCTCGGAAGCCAAGATGTCCTGCAAGGACAACAAGGATGGTAGCTGCACC[GT>A]GGAGTACATCCCCTTCACTCCTGGAGACTATGACGTCAACATCACCTTCGGGGGGCGGCC-3'

ClinVar aggregate classification (germline): Pathogenic (1 of 4 stars; one submission).

Conditions:
Cardiovascular phenotype. Identifiers: MedGen CN230736.

Submission:

Ambry Genetics
Classification: Pathogenic for Cardiovascular phenotype. Last evaluated: 2023-11-29. Review status: criteria provided, single submitter. Criteria: Ambry Variant Classification Scheme 2023. Collection method: clinical testing. Allele origin: germline.
Comment: The c.4219_4220delGTinsA variant, located in coding exon 24 of the FLNC gene, results from the deletion of two nucleotides and insertion of one nucleotide causing a translational frameshift with a predicted alternate stop codon (p.V1407Rfs*31). This variant is considered to be rare based on population cohorts in the Genome Aggregation Database (gnomAD). This alteration is expected to result in loss of function by premature protein truncation or nonsense-mediated mRNA decay. Based on the supporting evidence, this variant is expected to be causative of dilated cardiomyopathy; however, its clinical significance for hypertrophic/restrictive cardiomyopathy and/or skeletal myopathy is unclear.